The following is an entry in ClinVar:

NM_001365951.3(KIF1B):c.4459A>C (p.Ser1487Arg)

Gene: KIF1B (kinesin family member 1B; plus strand). Cytogenetic location: 1p36.22.
Variant type: single nucleotide variant.
Coding change: c.4459A>C on transcript NM_001365951.3 (MANE Select); coding-DNA position 4459, A replaced by C.
Protein change: p.Ser1487Arg; replaces serine 1487 with arginine.
Molecular consequence: missense variant.
Genome position (GRCh38, 1-based): chr1:10,365,192, A>C. VCF-style: chr1-10365192-A-C. GRCh37 (hg19) VCF-style: chr1-10425250-A-C.
Other names: c.4459A>C, p.Ser1487Arg (NM_001365952.1); c.4321A>C, p.Ser1441Arg (NM_015074.3); short protein forms S1487R, S1441R.
Identifiers: ClinVar variation 1739703 (VCV001739703.2), dbSNP rs1638533511, ClinGen allele CA338320838.

ClinVar aggregate classification (germline): Uncertain significance (1 of 4 stars; one submission).

Submission:

Ambry Genetics
Classification: Uncertain significance. Last evaluated: 2021-10-06. Review status: criteria provided, single submitter. Criteria: Ambry Variant Classification Scheme 2023. Collection method: clinical testing. Allele origin: germline.
Comment: The p.S1441R variant (also known as c.4321A>C), located in coding exon 39 of the KIF1B gene, results from an A to C substitution at nucleotide position 4321. The serine at codon 1441 is replaced by arginine, an amino acid with dissimilar properties. This amino acid position is highly conserved in available vertebrate species. In addition, this alteration is predicted to be deleterious by in silico analysis. Since supporting evidence is limited at this time, the clinical significance of this alteration remains unclear.